The following is an entry in ClinVar:

NM_173354.5(SIK1):c.1828C>T (p.Arg610Cys)

Gene: SIK1 (salt inducible kinase 1; minus strand). Cytogenetic location: 21q22.3.
Variant type: single nucleotide variant.
Coding change: c.1828C>T on transcript NM_173354.5 (MANE Select); coding-DNA position 1828, C replaced by T.
Protein change: p.Arg610Cys; replaces arginine 610 with cysteine.
Molecular consequence: missense variant.
Genome position (GRCh38, 1-based): chr21:43,417,691, G>A on the plus strand (C>T on the coding strand, the complement: SIK1 is on the minus strand). VCF-style: chr21-43417691-G-A. GRCh37 (hg19) VCF-style: chr21-44837571-G-A.
Other names: short protein forms R610C.
Identifiers: ClinVar variation 521524 (VCV000521524.10), dbSNP rs773946657, ClinGen allele CA321324958.

ClinVar aggregate classification (germline): Uncertain significance. Review status: criteria provided, multiple submitters, no conflicts (2 of 4 stars). 2 submissions from 2 submitters: Uncertain significance (2). Last evaluated 2024-12-03.

Conditions:
Inborn genetic diseases. Identifiers: MedGen C0950123, MeSH D030342.
Developmental and epileptic encephalopathy, 30 (DEE30). Also called: Epileptic encephalopathy, early infantile, 30. Identifiers: MedGen C4225360, MONDO:0014595, OMIM 616341.

Allele frequency attached by ClinVar (database versions not stated): gnomAD 0.00005; ExAC below 0.00001.

Submissions (2):

Labcorp Genetics (formerly Invitae), Labcorp
Classification: Uncertain significance for Developmental and epileptic encephalopathy, 30. Last evaluated: 2024-12-03. Review status: criteria provided, single submitter. Criteria: Invitae Variant Classification Sherloc (09022015). Collection method: clinical testing. Allele origin: germline.
Comment: This sequence change replaces arginine, which is basic and polar, with cysteine, which is neutral and slightly polar, at codon 610 of the SIK1 protein (p.Arg610Cys). The frequency data for this variant in the population databases is considered unreliable, as metrics indicate poor data quality at this position in the gnomAD database. This variant has not been reported in the literature in individuals affected with SIK1-related conditions. ClinVar contains an entry for this variant (Variation ID: 521524). Invitae Evidence Modeling of protein sequence and biophysical properties (such as structural, functional, and spatial information, amino acid conservation, physicochemical variation, residue mobility, and thermodynamic stability) indicates that this missense variant is not expected to disrupt SIK1 protein function with a negative predictive value of 95%. In summary, the available evidence is currently insufficient to determine the role of this variant in disease. Therefore, it has been classified as a Variant of Uncertain Significance.

Ambry Genetics
Classification: Uncertain significance for Inborn genetic diseases. Last evaluated: 2017-02-14. Review status: criteria provided, single submitter. Criteria: Ambry exome assertion method (8-5-2015). Collection method: clinical testing. Allele origin: germline. Affected: yes. Observed: 1 variant allele.

Literature cited by the submitters: PubMed 15511237 (cited by Ambry Genetics); PubMed 26567857 (cited by Ambry Genetics).